The following is an entry in ClinVar:

ClinVar aggregate classification (germline): Uncertain significance. Review status: criteria provided, multiple submitters, no conflicts (2 of 4 stars). 3 submissions from 3 submitters: Uncertain significance (3). Last evaluated 2026-01-04.

Allele frequency attached by ClinVar (database versions not stated): TOPMed 0.00002; gnomAD 0.00003; ExAC 0.00019.
gnomAD v4.1: 31 of 1,508,226 alleles (0.0021%); highest among the groups gnomAD compares: East Asian, 0.0073%; no homozygotes.

Submissions (3):

Labcorp Genetics (formerly Invitae), Labcorp
Classification: Uncertain significance. Last evaluated: 2026-01-04. Review status: criteria provided, single submitter. Criteria: Invitae Variant Classification Sherloc (09022015). Collection method: clinical testing. Allele origin: germline.
Comment: This sequence change replaces proline, which is neutral and non-polar, with leucine, which is neutral and non-polar, at codon 2091 of the CACNA1B protein (p.Pro2091Leu). The frequency data for this variant in the population databases is considered unreliable, as metrics indicate poor data quality at this position in the gnomAD database. This variant has not been reported in the literature in individuals affected with CACNA1B-related conditions. ClinVar contains an entry for this variant (Variation ID: 2055452). Invitae Evidence Modeling of protein sequence and biophysical properties (such as structural, functional, and spatial information, amino acid conservation, physicochemical variation, residue mobility, and thermodynamic stability) indicates that this missense variant is not expected to disrupt CACNA1B protein function with a negative predictive value of 80%. In summary, the available evidence is currently insufficient to determine the role of this variant in disease. Therefore, it has been classified as a Variant of Uncertain Significance.

Ambry Genetics
Classification: Uncertain significance. Last evaluated: 2025-02-07. Review status: criteria provided, single submitter. Criteria: Ambry Variant Classification Scheme 2023. Collection method: clinical testing. Allele origin: germline.

GeneDx
Classification: Uncertain significance. Last evaluated: 2024-10-31. Review status: criteria provided, single submitter. Criteria: GeneDx Variant Classification Process June 2021. Collection method: clinical testing. Allele origin: germline. Affected: yes.
Comment: In silico analysis indicates that this missense variant does not alter protein structure/function; Has not been previously published as pathogenic or benign to our knowledge

NM_000718.4(CACNA1B):c.6272C>T (p.Pro2091Leu)

Gene: CACNA1B (calcium voltage-gated channel subunit alpha1 B; plus strand). Cytogenetic location: 9q34.3.
Variant type: single nucleotide variant.
Coding change: c.6272C>T on transcript NM_000718.4 (MANE Select); coding-DNA position 6272, C replaced by T.
Protein change: p.Pro2091Leu; replaces proline 2091 with leucine.
Molecular consequence: missense variant.
Genome position (GRCh38, 1-based): chr9:138,120,664, C>T. VCF-style: chr9-138120664-C-T. GRCh37 (hg19) VCF-style: chr9-141015116-C-T.
Other names: c.6272C>T, p.Pro2091Leu (NM_001243812.2); c.6272C>T (NM_000718.3); short protein forms P2091L.
Identifiers: ClinVar variation 2055452 (VCV002055452.4), dbSNP rs746163681, ClinGen allele CA5377673.